The following is an entry in ClinVar:

ClinVar aggregate classification (germline): Uncertain significance. Review status: criteria provided, multiple submitters, no conflicts (2 of 4 stars). 2 submissions from 2 submitters: Uncertain significance (2). Last evaluated 2023-11-27.

Conditions:
Inborn genetic diseases. Identifiers: MedGen C0950123, MeSH D030342.
Chédiak-Higashi syndrome (CHS). Also called: Chediak-Higashi Syndrome. Identifiers: Orphanet 167, MedGen C0007965, MONDO:0008963, OMIM 214500.

gnomAD v4.1: 4 of 1,613,822 alleles (0.00025%); highest among the groups gnomAD compares: Non-Finnish European, 0.00034%; no homozygotes.

Submissions (2):

Labcorp Genetics (formerly Invitae), Labcorp
Classification: Uncertain significance for Chédiak-Higashi syndrome. Last evaluated: 2023-11-27. Review status: criteria provided, single submitter. Criteria: Invitae Variant Classification Sherloc (09022015). Collection method: clinical testing. Allele origin: germline.
Comment: This sequence change replaces alanine, which is neutral and non-polar, with glycine, which is neutral and non-polar, at codon 360 of the LYST protein (p.Ala360Gly). This variant is not present in population databases (gnomAD no frequency). This variant has not been reported in the literature in individuals affected with LYST-related conditions. ClinVar contains an entry for this variant (Variation ID: 2105443). Advanced modeling of protein sequence and biophysical properties (such as structural, functional, and spatial information, amino acid conservation, physicochemical variation, residue mobility, and thermodynamic stability) performed at Invitae indicates that this missense variant is not expected to disrupt LYST protein function with a negative predictive value of 80%. In summary, the available evidence is currently insufficient to determine the role of this variant in disease. Therefore, it has been classified as a Variant of Uncertain Significance.

Ambry Genetics
Classification: Uncertain significance for Inborn genetic diseases. Last evaluated: 2023-10-10. Review status: criteria provided, single submitter. Criteria: Ambry Variant Classification Scheme 2023. Collection method: clinical testing. Allele origin: germline.

NM_000081.4(LYST):c.1079C>G (p.Ala360Gly)

Gene: LYST (lysosomal trafficking regulator; minus strand). Cytogenetic location: 1q42.3.
Variant type: single nucleotide variant.
Coding change: c.1079C>G on transcript NM_000081.4 (MANE Select); coding-DNA position 1079, C replaced by G.
Protein change: p.Ala360Gly; replaces alanine 360 with glycine.
Molecular consequence: missense variant.
Genome position (GRCh38, 1-based): chr1:235,809,739, G>C on the plus strand (C>G on the coding strand, the complement: LYST is on the minus strand). VCF-style: chr1-235809739-G-C. GRCh37 (hg19) VCF-style: chr1-235973039-G-C.
Other names: c.1079C>G (NM_000081.2); c.1079C>G, p.Ala360Gly (NM_001301365.1); short protein forms A360G.
Identifiers: ClinVar variation 2105443 (VCV002105443.4), dbSNP rs1349478831, ClinGen allele CA344963207.